The following is an entry in ClinVar:

NM_005422.4(TECTA):c.4672G>T (p.Asp1558Tyr)

Genes: TBCEL-TECTA (TBCEL-TECTA readthrough; plus strand), TECTA (tectorin alpha; plus strand). Cytogenetic location: 11q23.3.
Variant type: single nucleotide variant.
Coding change: c.4672G>T on transcript NM_005422.4 (MANE Select); coding-DNA position 4672, G replaced by T.
Protein change: p.Asp1558Tyr; replaces aspartic acid 1558 with tyrosine.
Molecular consequence: missense variant.
Genome position (GRCh38, 1-based): chr11:121,158,207, G>T. VCF-style: chr11-121158207-G-T. GRCh37 (hg19) VCF-style: chr11-121028916-G-T.
Other names: c.5629G>T, p.Asp1877Tyr (NM_001378761.1); short protein forms D1558Y, D1877Y.
Identifiers: ClinVar variation 3360475 (VCV003360475.3).
Genomic context (GRCh38, chr11:121,158,207, plus strand): 5'-AACCTCACCATCATTTCGCCCGTCTACTTCTACATTAACGAAGAGCAGATTCTCATCAAC[G>T]ACCGGAACACGGTCAAGGTAACCAGCCTGGCGGCCATTCTTAAGAAGGGGCCCGGAAACA-3'
Protein context (NP_005413.2, residues 1548-1568): YINEEQILIN[Asp1558Tyr]RNTVKVNGTQ

ClinVar aggregate classification (germline): Uncertain significance. Review status: criteria provided, multiple submitters, no conflicts (2 of 4 stars). 2 submissions from 2 submitters: Uncertain significance (2). Last evaluated 2025-07-02.

gnomAD v4.1: 3 of 1,613,098 alleles (0.00019%); highest among the groups gnomAD compares: Admixed American, 0.0033%; no homozygotes.

Submissions (2):

Women's Health and Genetics/Laboratory Corporation of America, LabCorp
Classification: Uncertain significance. Last evaluated: 2025-07-02. Review status: criteria provided, single submitter. Criteria: LabCorp Variant Classification Summary - May 2015. Collection method: clinical testing. Allele origin: germline.
Comment: Variant summary: TECTA c.4672G>T (p.Asp1558Tyr) results in a non-conservative amino acid change in the encoded protein sequence. Algorithms developed to predict the effect of missense changes on protein structure and function are either unavailable or do not agree on the potential impact of this missense change. The variant allele was found at a frequency of 4e-06 in 250534 control chromosomes (gnomAD). The available data on variant occurrences in the general population are insufficient to allow any conclusion about variant significance. To our knowledge, no occurrence of c.4672G>T in individuals affected with Deafness, Autosomal Recessive 21 and no experimental evidence demonstrating its impact on protein function have been reported. ClinVar contains an entry for this variant (Variation ID: 3360475). Based on the evidence outlined above, the variant was classified as uncertain significance.

GeneDx
Classification: Uncertain significance. Last evaluated: 2023-07-11. Review status: criteria provided, single submitter. Criteria: GeneDx Variant Classification Process June 2021. Collection method: clinical testing. Allele origin: germline. Affected: yes.
Comment: Not observed at significant frequency in large population cohorts (gnomAD); In silico analysis supports that this missense variant does not alter protein structure/function; Has not been previously published as pathogenic or benign to our knowledge; This variant is associated with the following publications: (PMID: 21520338, 31554319, 9590290)